The following is an entry in ClinVar:

NM_206933.4(USH2A):c.2953_2955delinsA (p.Cys985fs)

Genes: USH2A (usherin; minus strand), USH2A-AS1 (USH2A antisense RNA 1; plus strand). Cytogenetic location: 1q41.
Variant type: Indel.
Coding change: c.2953_2955delinsA on transcript NM_206933.4 (MANE Select); coding-DNA positions 2953 to 2955, TGC replaced by A.
Protein change: p.Cys985fs; shifts the reading frame from cysteine 985.
Molecular consequence: frameshift variant.
Genome position (GRCh38, 1-based): chr1:216,231,991-216,231,993, GCA replaced by T on the plus strand (TGC replaced by A on the coding strand, the reverse complement: USH2A is on the minus strand). VCF-style: chr1-216231991-GCA-T. GRCh37 (hg19) VCF-style: chr1-216405333-GCA-T.
Other names: c.2953_2955delinsA, p.Cys985fs (NM_007123.6); short protein forms C985fs.
Identifiers: ClinVar variation 5011300 (VCV005011300.1).

ClinVar aggregate classification (germline): Pathogenic (1 of 4 stars; one submission).

Conditions:
USH2A-related disorder. Also called: USH2A-related condition; USH2A-related disorders. Identifiers: MedGen CN239332.

Submission:

Myriad Genetics, Inc.
Classification: Pathogenic for USH2A-related disorder. Last evaluated: 2023-08-09. Review status: criteria provided, single submitter. Criteria: Myriad Autosomal Dominant, Autosomal Recessive and X-Linked Classification Criteria (2023). Collection method: clinical testing. Allele origin: unknown.
Comment: NM_206933.2(USH2A):c.2953_2955delTGCinsA(C985Kfs*8) is expected to be pathogenic in the context of USH2A-related disorders. This variant is predicted to lead to an abnormal or absent protein product due to the creation of a premature termination codon in USH2A, a gene where loss-of-function variants are known to be pathogenic. Please note: this variant was assessed in the context of healthy population screening.